The following is an entry in ClinVar:

ClinVar aggregate classification (germline): Benign/Likely benign. Review status: criteria provided, multiple submitters, no conflicts (2 of 4 stars). 9 submissions from 9 submitters: Benign (4); Likely benign (2). 3 of the submissions do not count toward it. Last evaluated 2026-04-01.

Conditions:
Autosomal dominant optic atrophy classic form (OPA1). Also called: KJER-TYPE OPTIC ATROPHY; Optic Atrophy Type 1; OPTIC ATROPHY, JUVENILE. Identifiers: Orphanet 98673, MedGen C0338508, MONDO:0008134, OMIM 165500.

Allele frequency attached by ClinVar (database versions not stated): gnomAD exomes 0.00012 and 0.00049; ESP Exome Variant Server 0.00024; gnomAD 0.00039 and 0.00042; TOPMed 0.00045; 1000 Genomes Project 30x 0.00062; 1000 Genomes Project 0.00080; ExAC 0.00097.
gnomAD v4.1: 290 of 1,491,154 alleles (0.019%); highest among the groups gnomAD compares: East Asian, 0.26%; 6 homozygotes.

Submissions (9):

CeGaT Center for Human Genetics Tuebingen
Classification: Likely benign. Last evaluated: 2026-04-01. Review status: criteria provided, single submitter. Criteria: CeGaT Center For Human Genetics Tuebingen Variant Classification Criteria Version 2. Collection method: clinical testing. Allele origin: germline. Affected: yes. Observed: 3 variant alleles.
Comment: OPA1: BP4

Labcorp Genetics (formerly Invitae), Labcorp
Classification: Benign. Last evaluated: 2026-01-17. Review status: criteria provided, single submitter. Criteria: Invitae Variant Classification Sherloc (09022015). Collection method: clinical testing. Allele origin: germline.

Blueprint Genetics
Classification: Likely benign. Last evaluated: 2024-11-25. Review status: criteria provided, single submitter. Criteria: ACMG Guidelines, 2015. Collection method: clinical testing. Allele origin: germline.

Athena Diagnostics
Classification: Benign. Last evaluated: 2019-05-16. Review status: criteria provided, single submitter. Criteria: Athena Diagnostics Criteria. Collection method: clinical testing. Allele origin: germline.

Illumina Laboratory Services, Illumina
Classification: Benign for Autosomal dominant optic atrophy classic form. Last evaluated: 2018-01-13. Review status: criteria provided, single submitter. Criteria: ICSL Variant Classification Criteria 13 December 2019. Collection method: clinical testing. Allele origin: germline.
Comment: This variant was observed in the ICSL laboratory as part of a predisposition screen in an ostensibly healthy population. It had not been previously curated by ICSL or reported in the Human Gene Mutation Database (HGMD: prior to June 1st, 2018), and was therefore a candidate for classification through an automated scoring system. Utilizing variant allele frequency, disease prevalence and penetrance estimates, and inheritance mode, an automated score was calculated to assess if this variant is too frequent to cause the disease. Based on the score and internal cut-off values, a variant classified as benign is not then subjected to further curation. The score for this variant resulted in a classification of benign for this disease.

GeneDx
Classification: Benign. Last evaluated: 2014-06-25. Review status: criteria provided, single submitter. Criteria: GeneDx Variant Classification (06012015). Collection method: clinical testing. Allele origin: germline. Affected: yes.
Comment: This variant is considered likely benign or benign based on one or more of the following criteria: it is a conservative change, it occurs at a poorly conserved position in the protein, it is predicted to be benign by multiple in silico algorithms, and/or has population frequency not consistent with disease.

Clinical Genetics DNA and cytogenetics Diagnostics Lab, Erasmus MC, Erasmus Medical Center
Classification: Likely benign. Review status: no assertion criteria provided. Collection method: clinical testing. Allele origin: germline. Affected: yes. Study: VKGL Data-share Consensus. Not counted in ClinVar's aggregate classification.

Clinical Genetics, Academic Medical Center
Classification: Benign. Review status: no assertion criteria provided. Collection method: clinical testing. Allele origin: germline. Affected: yes. Study: VKGL Data-share Consensus. Not counted in ClinVar's aggregate classification.

Laboratory of Diagnostic Genome Analysis, Leiden University Medical Center (LUMC)
Classification: Likely benign. Review status: no assertion criteria provided. Collection method: clinical testing. Allele origin: germline. Affected: yes. Study: VKGL Data-share Consensus. Not counted in ClinVar's aggregate classification.

Literature cited by the submitters: PubMed 23401657 (cited by Athena Diagnostics).

NM_130837.3(OPA1):c.2984-4A>G

Gene: OPA1 (OPA1 mitochondrial dynamin like GTPase; plus strand). Cytogenetic location: 3q29.
Variant type: single nucleotide variant.
Coding change: c.2984-4A>G on transcript NM_130837.3 (MANE Select); 4 bases into the intron before coding-DNA position 2984, A replaced by G.
Molecular consequence: intron variant.
Genome position (GRCh38, 1-based): chr3:193,692,059, A>G. VCF-style: chr3-193692059-A-G. GRCh37 (hg19) VCF-style: chr3-193409848-A-G.
Other names: c.2447-4A>G (NM_001354664.2); c.2450-4A>G (NM_001354663.2); c.2873-4A>G (NM_130834.3); c.2930-4A>G (NM_130836.3); c.2819-4A>G (NM_015560.3); c.2876-4A>G (NM_130835.3); c.2765-4A>G (NM_130832.3); c.2822-4A>G (NM_130833.3); and 1 more.
Identifiers: ClinVar variation 214894 (VCV000214894.44), dbSNP rs184273607, ClinGen allele CA322235.
Genomic context (GRCh38, chr3:193,692,059, plus strand): 5'-AATTACCTCCTGATTTGTGATACCTTTGAAAAATAAATGTTTTTCTTTATTTTTATCTCC[A>G]CAGAGAAAGTTAGAGAAATTCAAGAAAAACTTGATGCTTTCATTGAAGCTCTTCATCAGG-3'